The following is an entry in ClinVar:

NM_000051.4(ATM):c.2104C>G (p.Leu702Val)

Gene: ATM (ATM serine/threonine kinase; plus strand). Cytogenetic location: 11q22.3.
Variant type: single nucleotide variant.
Coding change: c.2104C>G on transcript NM_000051.4 (MANE Select); coding-DNA position 2104, C replaced by G.
Protein change: p.Leu702Val; replaces leucine 702 with valine.
Molecular consequence: missense variant.
Genome position (GRCh38, 1-based): chr11:108,254,019, C>G. VCF-style: chr11-108254019-C-G. GRCh37 (hg19) VCF-style: chr11-108124746-C-G.
Other names: c.2104C>G, p.Leu702Val (NM_001351834.2); short protein forms L702V.
Identifiers: ClinVar variation 453402 (VCV000453402.20), dbSNP rs1555073490, ClinGen allele CA382537696.

ClinVar aggregate classification (germline): Uncertain significance. Review status: criteria provided, multiple submitters, no conflicts (2 of 4 stars). 6 submissions from 6 submitters: Uncertain significance (5). 1 of the submissions does not count toward it. Last evaluated 2024-05-17.

Conditions:
Hereditary cancer-predisposing syndrome. Also called: Tumor predisposition; Hereditary Cancer Syndrome; Neoplastic Syndromes, Hereditary; Hereditary neoplastic syndrome. Identifiers: Orphanet 140162, MedGen C0027672, MeSH D009386, MONDO:0015356.
Ataxia-telangiectasia syndrome (AT). Also called: Cerebello-oculocutaneous telangiectasia; Immunodeficiency with ataxia telangiectasia; Ataxia-telangiectasia, complementation group D; AT, COMPLEMENTATION GROUP C; Ataxia-telangiectasia, complementation group E; LOUIS-BAR SYNDROME. Identifiers: Orphanet 100, MedGen C0004135, MONDO:0008840, OMIM 208900.

Allele frequency attached by ClinVar (database versions not stated): gnomAD exomes below 0.00001.
gnomAD v4.1: 2 of 1,613,720 alleles (0.00012%); highest among the groups gnomAD compares: Non-Finnish European, 0.00017%; no homozygotes.

Submissions (6):

GeneDx
Classification: Uncertain significance. Last evaluated: 2024-05-17. Review status: criteria provided, single submitter. Criteria: GeneDx Variant Classification Process June 2021. Collection method: clinical testing. Allele origin: germline. Affected: yes.
Comment: Not observed at significant frequency in large population cohorts (gnomAD); In silico analysis indicates that this missense variant does not alter protein structure/function; This variant is associated with the following publications: (PMID: 19781682, 28779002, 16832357, 33471991)

Ambry Genetics
Classification: Uncertain significance for Hereditary cancer-predisposing syndrome. Last evaluated: 2023-12-15. Review status: criteria provided, single submitter. Criteria: Ambry Variant Classification Scheme 2023. Collection method: clinical testing. Allele origin: germline.
Comment: The p.L702V variant (also known as c.2104C>G), located in coding exon 12 of the ATM gene, results from a C to G substitution at nucleotide position 2104. The leucine at codon 702 is replaced by valine, an amino acid with highly similar properties. In a large study of familial breast cancer families, this variant was identified in 1/443 cases and 0/521 controls (Renwick A et al. Nat Genet, 2006 Aug;38:873-5). In another study, this variant was reported in 1/60,466 breast cancer cases and in 0/53,461 controls (Dorling et al. N Engl J Med 2021 02;384:428-439). Additionally, this alteration has been detected in 1/4112 breast cancer patients and 0/2399 healthy control individuals across numerous studies (Tavtigian SV et al. Am. J. Hum. Genet. 2009 Oct;85:427-46). This alteration has also been reported in at least one breast cancer patient in a study of 13087 breast cancer cases and 5488 control individuals in the UK (Decker B et al. J Med Genet, 2017 11;54:732-741). This amino acid position is highly conserved in available vertebrate species. In addition, this alteration is predicted to be tolerated by in silico analysis. Since supporting evidence is limited at this time, the clinical significance of this alteration remains unclear.

Labcorp Genetics (formerly Invitae), Labcorp
Classification: Uncertain significance for Ataxia-telangiectasia syndrome. Last evaluated: 2023-12-04. Review status: criteria provided, single submitter. Criteria: Invitae Variant Classification Sherloc (09022015). Collection method: clinical testing. Allele origin: germline.
Comment: This sequence change replaces leucine, which is neutral and non-polar, with valine, which is neutral and non-polar, at codon 702 of the ATM protein (p.Leu702Val). This variant is not present in population databases (gnomAD no frequency). This missense change has been observed in individual(s) with breast cancer (PMID: 19781682). ClinVar contains an entry for this variant (Variation ID: 453402). An algorithm developed to predict the effect of missense changes on protein structure and function (PolyPhen-2) suggests that this variant is likely to be disruptive. In summary, the available evidence is currently insufficient to determine the role of this variant in disease. Therefore, it has been classified as a Variant of Uncertain Significance.

Sema4
Classification: Uncertain significance for Hereditary cancer-predisposing syndrome. Last evaluated: 2021-08-03. Review status: criteria provided, single submitter. Criteria: Sema4 Curation Guidelines. Collection method: curation. Allele origin: germline.
Comment: The ATM c.2104C>G (p.L702V) variant has been reported in several individuals with breast cancer (PMID: 19781682, 28779002, 33471991). It was not observed in the large and broad cohorts of the Genome Aggregation Database (PMID: 32461654). The variant has been reported in ClinVar (Variation ID 453402). Functional studies have not been performed and in silico predictions of the variant's effect on protein function are inconclusive. The evidence is insufficient to meet ACMG/AMP criteria for classifying the variant as benign or pathogenic. Thus, the clinical significance of this variant is currently uncertain.

Color Diagnostics, LLC DBA Color Health
Classification: Uncertain significance for Hereditary cancer-predisposing syndrome. Last evaluated: 2021-06-09. Review status: criteria provided, single submitter. Criteria: ACMG Guidelines, 2015. Collection method: clinical testing. Allele origin: germline.
Comment: This missense variant replaces leucine with valine at codon 702 of the ATM protein. Computational prediction tools and conservation analyses are inconclusive regarding the impact of this variant on protein structure and function. Splice site prediction tools suggest that this variant may not impact RNA splicing. To our knowledge, functional studies have not been performed for this variant. This variant has been reported in two individuals affected with breast cancer (PMID: 19781682, 28779002). This variant has not been identified in the general population by the Genome Aggregation Database (gnomAD). The available evidence is insufficient to determine the role of this variant in disease conclusively. Therefore, this variant is classified as a Variant of Uncertain Significance.

Genetic Services Laboratory, University of Chicago
Classification: Uncertain significance. Last evaluated: 2022-09-02. Review status: no assertion criteria provided. Collection method: clinical testing. Allele origin: germline. Affected: no. Not counted in ClinVar's aggregate classification.
Comment: DNA sequence analysis of the ATM gene demonstrated a sequence change, c.2104C>G, in exon 13 that results in an amino acid change, p.Leu702Val. This sequence change has been previously described in individuals with individuals with breast cancer (PMID: 19781682, 28779002). This sequence change has not been described in population databases such as ExAC and gnomAD. The p.Leu702Val change affects a highly conserved amino acid residue located in a domain of the ATM protein that is known to be functional. In-silico pathogenicity prediction tools (SIFT, PolyPhen2, Align GVGD, REVEL) provide contradictory results for the p.Leu702Val substitution. Due to insufficient evidences and the lack of functional studies, the clinical significance of the p.Leu702Val change remains unknown at this time.

Literature cited by the submitters: PubMed 16832357 (cited by Ambry Genetics); PubMed 28779002 (cited by Ambry Genetics and Sema4); PubMed 33471991 (cited by Ambry Genetics and Sema4); PubMed 19781682 (cited by Labcorp Genetics (formerly Invitae), Labcorp and Sema4).